The following is an entry in ClinVar:

ClinVar aggregate classification (germline): Likely benign. Review status: criteria provided, multiple submitters, no conflicts (2 of 4 stars). 3 submissions from 3 submitters: Likely benign (2). 1 of the submissions does not count toward it. Last evaluated 2025-10-16.

Conditions:
RYR1-related disorder. Also called: RYR1-related condition; RYR1-related disorders. Identifiers: MedGen CN239331.

Allele frequency attached by ClinVar (database versions not stated): gnomAD exomes below 0.00001; ExAC 0.00001; TOPMed 0.00004; gnomAD 0.00012.
gnomAD v4.1: 34 of 1,606,324 alleles (0.0021%); highest among the groups gnomAD compares: Admixed American, 0.03%; 1 homozygote.

Submissions (3):

Labcorp Genetics (formerly Invitae), Labcorp
Classification: Likely benign for RYR1-related disorder. Last evaluated: 2025-10-16. Review status: criteria provided, single submitter. Criteria: Invitae Variant Classification Sherloc (09022015). Collection method: clinical testing. Allele origin: germline.

Blueprint Genetics
Classification: Likely benign. Last evaluated: 2024-11-07. Review status: criteria provided, single submitter. Criteria: ACMG Guidelines, 2015. Collection method: clinical testing. Allele origin: germline.

PreventionGenetics, part of Exact Sciences
Classification: Likely benign for RYR1-related condition. Last evaluated: 2019-11-14. Review status: no assertion criteria provided. Collection method: clinical testing. Allele origin: germline. Not counted in ClinVar's aggregate classification.
Comment: This variant is classified as likely benign based on ACMG/AMP sequence variant interpretation guidelines (Richards et al. 2015 PMID: 25741868, with internal and published modifications).

NM_000540.3(RYR1):c.270+10C>T

Gene: RYR1 (ryanodine receptor 1; plus strand). Cytogenetic location: 19q13.2.
Variant type: single nucleotide variant.
Coding change: c.270+10C>T on transcript NM_000540.3 (MANE Select); 10 bases into the intron after coding-DNA position 270, C replaced by T.
Molecular consequence: intron variant.
Genome position (GRCh38, 1-based): chr19:38,442,463, C>T. VCF-style: chr19-38442463-C-T. GRCh37 (hg19) VCF-style: chr19-38933103-C-T.
Other names: c.270+10C>T (NM_001042723.2).
Identifiers: ClinVar variation 544466 (VCV000544466.13), dbSNP rs775506842, ClinGen allele CA063828.
Genomic context (GRCh38, chr19:38,442,463, plus strand): 5'-GTGCGAGCCCTGCAGGAGATGCTGGCTAACACGGTGGAGGCTGGCGTGGAGGTGAGGACC[C>T]CACCTGGGGGTGGGCGGGGTGGCAGAGATGGGCGAGAGGACCCAGGGGTCGTTTAGGGCA-3'